The following is an entry in ClinVar:

NM_003907.3(EIF2B5):c.1428C>A (p.Asp476Glu)

Gene: EIF2B5 (eukaryotic translation initiation factor 2B subunit epsilon; plus strand). Cytogenetic location: 3q27.1.
Variant type: single nucleotide variant.
Coding change: c.1428C>A on transcript NM_003907.3 (MANE Select); coding-DNA position 1428, C replaced by A.
Protein change: p.Asp476Glu; replaces aspartic acid 476 with glutamic acid.
Molecular consequence: missense variant.
Genome position (GRCh38, 1-based): chr3:184,142,362, C>A. VCF-style: chr3-184142362-C-A. GRCh37 (hg19) VCF-style: chr3-183860150-C-A.
Other names: short protein forms D476E.
Identifiers: ClinVar variation 1968695 (VCV001968695.4), dbSNP rs74478773, ClinGen allele CA88843501.

ClinVar aggregate classification (germline): Conflicting classifications of pathogenicity. Review status: criteria provided, conflicting classifications (1 of 4 stars). 2 submissions from 2 submitters: Uncertain significance (1); Likely benign (1). Last evaluated 2025-06-15.

gnomAD v4.1: 9 of 1,613,978 alleles (0.00056%); highest among the groups gnomAD compares: Middle Eastern, 0.016%; no homozygotes.

Submissions (2):

Labcorp Genetics (formerly Invitae), Labcorp
Classification: Uncertain significance. Last evaluated: 2025-06-15. Review status: criteria provided, single submitter. Criteria: Invitae Variant Classification Sherloc (09022015). Collection method: clinical testing. Allele origin: germline.
Comment: This sequence change replaces aspartic acid, which is acidic and polar, with glutamic acid, which is acidic and polar, at codon 476 of the EIF2B5 protein (p.Asp476Glu). This variant is present in population databases (no rsID available, gnomAD 0.0009%). This variant has not been reported in the literature in individuals affected with EIF2B5-related conditions. ClinVar contains an entry for this variant (Variation ID: 1968695). Invitae Evidence Modeling of protein sequence and biophysical properties (such as structural, functional, and spatial information, amino acid conservation, physicochemical variation, residue mobility, and thermodynamic stability) indicates that this missense variant is not expected to disrupt EIF2B5 protein function with a negative predictive value of 80%. In summary, the available evidence is currently insufficient to determine the role of this variant in disease. Therefore, it has been classified as a Variant of Uncertain Significance.

Blueprint Genetics
Classification: Likely benign. Last evaluated: 2024-02-26. Review status: criteria provided, single submitter. Criteria: ACMG Guidelines, 2015. Collection method: clinical testing. Allele origin: germline.